The following is an entry in ClinVar:

NM_001267550.2(TTN):c.48605G>A (p.Trp16202Ter)

Genes: TTN (titin; minus strand), TTN-AS1 (TTN antisense RNA 1; plus strand). Cytogenetic location: 2q31.2.
Variant type: single nucleotide variant.
Coding change: c.48605G>A on transcript NM_001267550.2 (MANE Select); coding-DNA position 48605, G replaced by A.
Protein change: p.Trp16202Ter; replaces tryptophan 16202 with a stop codon.
Molecular consequence: nonsense. On other transcripts: non-coding transcript variant (1).
Genome position (GRCh38, 1-based): chr2:178,615,340, C>T on the plus strand (G>A on the coding strand, the complement: TTN is on the minus strand). VCF-style: chr2-178615340-C-T. GRCh37 (hg19) VCF-style: chr2-179480067-C-T.
Other names: c.43682G>A, p.Trp14561Ter (NM_001256850.1); c.21410G>A, p.Trp7137Ter (NM_003319.4); c.40901G>A, p.Trp13634Ter (NM_133378.4); c.21785G>A, p.Trp7262Ter (NM_133432.3); c.21986G>A, p.Trp7329Ter (NM_133437.4); short protein forms W7329*, W13634*, W16202*, W14561*, W7137*, W7262*.
Identifiers: ClinVar variation 2953827 (VCV002953827.3), dbSNP rs2470732425, ClinGen allele CA349608874.
Genomic context (GRCh38, chr2:178,615,340, plus strand): 5'-TACTCTCATGCCAAATTAAAAACCTACTTTGTTTCTGCAACAGGTTCTCCACAGGCAACC[C>T]ATTTATCAGAACCACGTGGACATCTTTCAACTATATATCCTTTGATGCGTGAACCACCAT-3'

ClinVar aggregate classification (germline): Likely pathogenic (1 of 4 stars; one submission).

Conditions:
Autosomal recessive limb-girdle muscular dystrophy type 2J (LGMDR10). Also called: Limb-girdle muscular dystrophy, type 2J; MUSCULAR DYSTROPHY, LIMB-GIRDLE, AUTOSOMAL RECESSIVE 10. Identifiers: Orphanet 140922, MedGen C1837342, MONDO:0012127, OMIM 608807.
Dilated cardiomyopathy 1G (CMD1G). Identifiers: Orphanet 154, MedGen C1858763, MONDO:0011400, OMIM 604145.

Submission:

Labcorp Genetics (formerly Invitae), Labcorp
Classification: Likely pathogenic for Dilated cardiomyopathy 1G; Autosomal recessive limb-girdle muscular dystrophy type 2J. Last evaluated: 2024-04-16. Review status: criteria provided, single submitter. Criteria: Invitae Variant Classification Sherloc (09022015). Collection method: clinical testing. Allele origin: germline.
Comment: This sequence change creates a premature translational stop signal (p.Trp16202*) in the TTN gene. While this is not anticipated to result in nonsense mediated decay, it is expected to create a truncated TTN protein. This variant is not present in population databases (gnomAD no frequency). This variant has not been reported in the literature in individuals affected with TTN-related conditions. Algorithms developed to predict the effect of sequence changes on RNA splicing suggest that this variant may disrupt the consensus splice site. This variant is located in the A band of TTN (PMID: 25589632). Truncating variants in this region are significantly overrepresented in patients affected with dilated cardiomyopathy (PMID: 25589632). Truncating variants in this region have also been reported in individuals affected with autosomal recessive centronuclear myopathy (PMID: 23975875). In summary, the currently available evidence indicates that the variant is pathogenic, but additional data are needed to prove that conclusively. Therefore, this variant has been classified as Likely Pathogenic.

Literature cited by the submitters: PubMed 25589632; PubMed 23975875.